The following is an entry in ClinVar:

NM_001457.4(FLNB):c.2501C>T (p.Pro834Leu)

Genes: FLNB (filamin B; plus strand), LOC129936935 (ATAC-STARR-seq lymphoblastoid active region 19999; plus strand). Cytogenetic location: 3p14.3.
Variant type: single nucleotide variant.
Coding change: c.2501C>T on transcript NM_001457.4 (MANE Select); coding-DNA position 2501, C replaced by T.
Protein change: p.Pro834Leu; replaces proline 834 with leucine.
Molecular consequence: missense variant.
Genome position (GRCh38, 1-based): chr3:58,111,807, C>T. VCF-style: chr3-58111807-C-T. GRCh37 (hg19) VCF-style: chr3-58097534-C-T.
Other names: c.2501C>T, p.Pro834Leu (NM_001164317.2, NM_001164318.2, NM_001164319.2); short protein forms P834L.
Identifiers: ClinVar variation 2507300 (VCV002507300.1), dbSNP rs2471091625, ClinGen allele CA353345560.

ClinVar aggregate classification (germline): Uncertain significance (1 of 4 stars; one submission).

Submission:

GeneDx
Classification: Uncertain significance. Last evaluated: 2022-12-29. Review status: criteria provided, single submitter. Criteria: GeneDx Variant Classification Process June 2021. Collection method: clinical testing. Allele origin: germline. Affected: yes.
Comment: Not observed at significant frequency in large population cohorts (gnomAD); In silico analysis supports that this missense variant has a deleterious effect on protein structure/function; Has not been previously published as pathogenic or benign to our knowledge